The following is an entry in ClinVar:

ClinVar aggregate classification (germline): Pathogenic (1 of 4 stars; one submission).

Conditions:
Congenital myasthenic syndrome (CMS). Also called: Congenital Myasthenic Syndromes. Identifiers: Orphanet 590, MedGen C0751882, MeSH D020294, MONDO:0018940.

Submission:

Women's Health and Genetics/Laboratory Corporation of America, LabCorp
Classification: Pathogenic for Congenital myasthenic syndrome. Last evaluated: 2025-01-14. Review status: criteria provided, single submitter. Criteria: LabCorp Variant Classification Summary - May 2015. Collection method: clinical testing. Allele origin: germline.
Comment: Variant summary: RAPSN c.960delG (p.Asn321ThrfsX3) results in a premature termination codon, predicted to cause a truncation of the encoded protein or absence of the protein due to nonsense mediated decay, which are commonly known mechanisms for disease. The variant was absent in 251406 control chromosomes. To our knowledge, no occurrence of c.960delG in individuals affected with RAPSN-related conditions have been reported. No submitters have cited clinical-significance assessments for this variant to ClinVar. Based on the evidence outlined above, the variant was classified as pathogenic.

NM_005055.5(RAPSN):c.960del (p.Asn321fs)

Gene: RAPSN (receptor associated protein of the synapse; minus strand). Cytogenetic location: 11p11.2.
Variant type: Deletion.
Coding change: c.960del on transcript NM_005055.5 (MANE Select); coding-DNA position 960, one base deleted (G; older notation c.960delG).
Protein change: p.Asn321fs; shifts the reading frame from asparagine 321.
Molecular consequence: frameshift variant. On other transcripts: intron variant (1).
Genome position (GRCh38, 1-based): chr11:47,441,165, C deleted on the plus strand (G on the coding strand, the reverse complement: RAPSN is on the minus strand); the first of 4 consecutive C bases (chr11:47,441,165-47,441,168); deleting any one gives the same sequence. VCF-style (leftmost placement, unchanged base first): chr11-47441164-TC-T. GRCh37 (hg19) VCF-style: chr11-47462715-TC-T.
Other names: c.789+658del (NM_032645.5); c.960delG (NM_005055.5); short protein forms N321fs.
Identifiers: ClinVar variation 3769126 (VCV003769126.2).